The following is an entry in ClinVar:

NC_000005.9:g.(?_131972797)_(131973925_?)dup

Gene: RAD50 (RAD50 double strand break repair protein; plus strand). Cytogenetic location: 5q31.1.
Variant type: Duplication.
Identifiers: ClinVar variation 3246285 (VCV003246285.1).

ClinVar aggregate classification (germline): Likely pathogenic (1 of 4 stars; one submission).

Conditions:
Hereditary cancer-predisposing syndrome. Also called: Hereditary neoplastic syndrome; Neoplastic Syndromes, Hereditary; Tumor predisposition; Hereditary Cancer Syndrome. Identifiers: Orphanet 140162, MedGen C0027672, MeSH D009386, MONDO:0015356.

Submission:

Labcorp Genetics (formerly Invitae), Labcorp
Classification: Likely pathogenic for Hereditary cancer-predisposing syndrome. Last evaluated: 2023-09-04. Review status: criteria provided, single submitter. Criteria: Invitae Variant Classification Sherloc (09022015). Collection method: clinical testing. Allele origin: unknown.
Comment: This variant results in a copy number gain of the genomic region encompassing exon(s) 22-23 of the RAD50 gene. While the exact position of this variant cannot be determined from the data, sub-genic copy number gains are generally in tandem (PMID: 25640679). This variant is predicted to be out-of-frame, and may result in an absent or disrupted protein product. Loss-of-function variants in RAD50 are known to be pathogenic (PMID: 19409520). This variant has not been reported in the literature in individuals affected with RAD50-related conditions. In summary, the currently available evidence indicates that the variant is pathogenic, but additional data are needed to prove that conclusively. Therefore, this variant has been classified as Likely Pathogenic.

Literature cited by the submitters: PubMed 25640679; PubMed 19409520.